The following is an entry in ClinVar:

NM_000138.5(FBN1):c.5980_5981delinsTT (p.Gly1994Leu)

Gene: FBN1 (fibrillin 1; minus strand). Cytogenetic location: 15q21.1.
Variant type: Indel.
Coding change: c.5980_5981delinsTT on transcript NM_000138.5 (MANE Select); coding-DNA positions 5980 to 5981, GG replaced by TT.
Protein change: p.Gly1994Leu; replaces glycine 1994 with leucine.
Molecular consequence: missense variant.
Genome position (GRCh38, 1-based): chr15:48,444,597-48,444,598, CC replaced by AA on the plus strand (GG replaced by TT on the coding strand, the reverse complement: FBN1 is on the minus strand). VCF-style: chr15-48444597-CC-AA. GRCh37 (hg19) VCF-style: chr15-48736794-CC-AA.
Other names: short protein forms G1994L.
Identifiers: ClinVar variation 640534 (VCV000640534.7), dbSNP rs1597531779, ClinGen allele CA915945984.

ClinVar aggregate classification (germline): Uncertain significance (1 of 4 stars; one submission).

Conditions:
Familial thoracic aortic aneurysm and aortic dissection (TAAD). Also called: Thoracic aortic aneurysms and dissections. Identifiers: Orphanet 91387, MedGen C4707243, MONDO:0019625.
Marfan syndrome (MFS). Also called: FBN1-Related Marfan Syndrome; Marfan syndrome type 1; Marfan's syndrome; Marfan syndrome, classic; MARFAN SYNDROME, TYPE I. Identifiers: Orphanet 284963, Orphanet 558, MedGen C0024796, MONDO:0007947, OMIM 154700.

Submission:

Labcorp Genetics (formerly Invitae), Labcorp
Classification: Uncertain significance for Marfan syndrome; Familial thoracic aortic aneurysm and aortic dissection. Last evaluated: 2018-08-27. Review status: criteria provided, single submitter. Criteria: Invitae Variant Classification Sherloc (09022015). Collection method: clinical testing. Allele origin: germline.
Comment: Algorithms developed to predict the effect of missense changes on protein structure and function are either unavailable or do not agree on the potential impact of this missense change (SIFT: "Deleterious"; PolyPhen-2: "Probably Damaging"; Align-GVGD: "C0"). This sequence change replaces glycine with leucine at codon 1994 of the FBN1 protein (p.Gly1994Leu). The glycine residue is highly conserved and there is a moderate physicochemical difference between glycine and leucine. This variant is not present in population databases (ExAC no frequency). This variant has not been reported in the literature in individuals with FBN1-related disease. In summary, the available evidence is currently insufficient to determine the role of this variant in disease. Therefore, it has been classified as a Variant of Uncertain Significance.